The following is an entry in ClinVar:

NM_000492.4(CFTR):c.2259C>T (p.Ser753=)

Gene: CFTR (CF transmembrane conductance regulator; plus strand). Cytogenetic location: 7q31.2.
Variant type: single nucleotide variant.
Coding change: c.2259C>T on transcript NM_000492.4 (MANE Select); coding-DNA position 2259, C replaced by T.
Protein change: p.Ser753=; no amino-acid change (serine 753 retained).
Molecular consequence: synonymous variant.
Genome position (GRCh38, 1-based): chr7:117,592,426, C>T. VCF-style: chr7-117592426-C-T. GRCh37 (hg19) VCF-style: chr7-117232480-C-T.
Identifiers: ClinVar variation 53464 (VCV000053464.19), dbSNP rs201888075, ClinGen allele CA326782.

ClinVar aggregate classification (germline): Conflicting classifications of pathogenicity. Review status: criteria provided, conflicting classifications (1 of 4 stars). 6 submissions from 6 submitters: Uncertain significance (2); Likely benign (4). Last evaluated 2024-01-05.

Conditions:
CFTR-related disorder (CFTR-RD). Also called: CFTR-related condition; CFTR-related disorders. Identifiers: MedGen C5924204, MONDO:7770004.
Cystic fibrosis (CF). Also called: MUCOVISCIDOSIS. Identifiers: Orphanet 586, MedGen C0010674, MONDO:0009061, OMIM 219700. Disease mechanism: loss of function.

Allele frequency attached by ClinVar (database versions not stated): TOPMed below 0.00001; gnomAD 0.00002; gnomAD exomes 0.00003 and 0.00005; ExAC 0.00010.
gnomAD v4.1: 48 of 1,611,884 alleles (0.003%); highest among the groups gnomAD compares: Middle Eastern, 0.033%; no homozygotes.

Submissions (6):

Women's Health and Genetics/Laboratory Corporation of America, LabCorp
Classification: Likely benign. Last evaluated: 2024-01-05. Review status: criteria provided, single submitter. Criteria: LabCorp Variant Classification Summary - May 2015. Collection method: clinical testing. Allele origin: germline.

Labcorp Genetics (formerly Invitae), Labcorp
Classification: Likely benign for Cystic fibrosis. Last evaluated: 2023-09-24. Review status: criteria provided, single submitter. Criteria: Invitae Variant Classification Sherloc (09022015). Collection method: clinical testing. Allele origin: germline.

Genome-Nilou Lab
Classification: Uncertain significance for Cystic fibrosis. Last evaluated: 2021-07-22. Review status: criteria provided, single submitter. Criteria: ACMG Guidelines, 2015. Collection method: clinical testing. Allele origin: germline. Affected: no.

Blueprint Genetics
Classification: Likely benign. Last evaluated: 2020-04-09. Review status: criteria provided, single submitter. Criteria: ACMG Guidelines, 2015. Collection method: clinical testing. Allele origin: germline.

Ambry Genetics
Classification: Likely benign for Cystic fibrosis. Last evaluated: 2019-06-29. Review status: criteria provided, single submitter. Criteria: Ambry Variant Classification Scheme 2023. Collection method: clinical testing. Allele origin: germline.

Illumina Laboratory Services, Illumina
Classification: Uncertain significance for CFTR-Related Disorders. Last evaluated: 2017-04-28. Review status: criteria provided, single submitter. Criteria: ICSL Variant Classification Criteria 13 December 2019. Collection method: clinical testing. Allele origin: germline.
Comment: This variant was observed as part of a predisposition screen in an ostensibly healthy population. A literature search was performed for the gene, cDNA change, and amino acid change (where applicable). Publications were found based on this search. However, the evidence from the literature, in combination with allele frequency data from public databases where available, was not sufficient to rule this variant in or out of causing disease. Therefore, this variant is classified as a variant of unknown significance.

Literature cited by the submitters: PubMed 7530719 (cited by Illumina Laboratory Services, Illumina); PubMed 8880910 (cited by Illumina Laboratory Services, Illumina); PubMed 17823699 (cited by Illumina Laboratory Services, Illumina).